The following is an entry in ClinVar:

NM_000834.5(GRIN2B):c.3389G>A (p.Arg1130Gln)

Gene: GRIN2B (glutamate ionotropic receptor NMDA type subunit 2B; minus strand). Cytogenetic location: 12p13.1.
Variant type: single nucleotide variant.
Coding change: c.3389G>A on transcript NM_000834.5 (MANE Select); coding-DNA position 3389, G replaced by A.
Protein change: p.Arg1130Gln; replaces arginine 1130 with glutamine.
Molecular consequence: missense variant.
Genome position (GRCh38, 1-based): chr12:13,563,849, C>T on the plus strand (G>A on the coding strand, the complement: GRIN2B is on the minus strand). VCF-style: chr12-13563849-C-T. GRCh37 (hg19) VCF-style: chr12-13716783-C-T.
Other names: short protein forms R1130Q.
Identifiers: ClinVar variation 245688 (VCV000245688.20), dbSNP rs148625092, ClinGen allele CA6460906.

ClinVar aggregate classification (germline): Benign/Likely benign. Review status: criteria provided, multiple submitters, no conflicts (2 of 4 stars). 5 submissions from 5 submitters: Benign (1); Likely benign (3). 1 of the submissions does not count toward it. Last evaluated 2026-07-01.

Conditions:
GRIN2B-related disorder. Also called: GRIN2B-related condition.
Intellectual developmental disorder, autosomal dominant 6, with or without seizures. Also called: Intellectual disability, autosomal dominant 6; GRIN2B-related developmental delay, intellectual disability and autism spectrum disorder. Identifiers: Orphanet 589547, MedGen C3151411, MONDO:0013509, OMIM 613970.
Developmental and epileptic encephalopathy, 27 (DEE27). Also called: Epileptic encephalopathy, early infantile, 27; GRIN2B-Related Neurodevelopmental Disorder. Identifiers: Orphanet 3451, MedGen C4015316, MONDO:0014505, OMIM 616139.

Allele frequency attached by ClinVar (database versions not stated): 1000 Genomes Project 0.00020; TOPMed 0.00029; 1000 Genomes Project 30x 0.00031; gnomAD 0.00038 and 0.00043; ESP Exome Variant Server 0.00054.
gnomAD v4.1: 103 of 1,614,082 alleles (0.0064%); highest among the groups gnomAD compares: African/African-American, 0.13%; no homozygotes.

Submissions (5):

CeGaT Center for Human Genetics Tuebingen
Classification: Likely benign. Last evaluated: 2026-07-01. Review status: criteria provided, single submitter. Criteria: CeGaT Center For Human Genetics Tuebingen Variant Classification Criteria Version 2. Collection method: clinical testing. Allele origin: germline. Affected: yes. Observed: 1 variant allele.
Comment: GRIN2B: BS1

Labcorp Genetics (formerly Invitae), Labcorp
Classification: Likely benign for Developmental and epileptic encephalopathy, 27; Intellectual developmental disorder, autosomal dominant 6, with or without seizures. Last evaluated: 2025-12-30. Review status: criteria provided, single submitter. Criteria: Invitae Variant Classification Sherloc (09022015). Collection method: clinical testing. Allele origin: germline.

Women's Health and Genetics/Laboratory Corporation of America, LabCorp
Classification: Likely benign. Last evaluated: 2025-01-22. Review status: criteria provided, single submitter. Criteria: LabCorp Variant Classification Summary - May 2015. Collection method: clinical testing. Allele origin: germline.
Comment: Variant summary: GRIN2B c.3389G>A (p.Arg1130Gln) results in a conservative amino acid change in the encoded protein sequence. Three of five in-silico tools predict a benign effect of the variant on protein function. The variant allele was found at a frequency of 9.6e-05 in 251142 control chromosomes, predominantly at a frequency of 0.0015 within the African or African-American subpopulation in the gnomAD database. The observed variant frequency within African or African-American control individuals in the gnomAD database exceeds the estimated maximal expected allele frequency for a pathogenic variant in GRIN2B causing Mental Retardation, Autosomal Dominant 6 phenotype. To our knowledge, no occurrence of c.3389G>A in individuals affected with Mental Retardation, Autosomal Dominant 6 and no experimental evidence demonstrating its impact on protein function have been reported. ClinVar contains an entry for this variant (Variation ID: 245688). Based on the evidence outlined above, the variant was classified as likely benign.

GeneDx
Classification: Benign. Last evaluated: 2021-01-11. Review status: criteria provided, single submitter. Criteria: GeneDx Variant Classification Process June 2021. Collection method: clinical testing. Allele origin: germline. Affected: yes.

PreventionGenetics, part of Exact Sciences
Classification: Likely benign for GRIN2B-related condition. Last evaluated: 2022-11-07. Review status: no assertion criteria provided. Collection method: clinical testing. Allele origin: germline. Not counted in ClinVar's aggregate classification.
Comment: This variant is classified as likely benign based on ACMG/AMP sequence variant interpretation guidelines (Richards et al. 2015 PMID: 25741868, with internal and published modifications).